The following is an entry in ClinVar:

NM_004370.6(COL12A1):c.8254C>A (p.Pro2752Thr)

Gene: COL12A1 (collagen type XII alpha 1 chain; minus strand). Cytogenetic location: 6q13.
Variant type: single nucleotide variant.
Coding change: c.8254C>A on transcript NM_004370.6 (MANE Select); coding-DNA position 8254, C replaced by A.
Protein change: p.Pro2752Thr; replaces proline 2752 with threonine.
Molecular consequence: missense variant.
Genome position (GRCh38, 1-based): chr6:75,105,217, G>T on the plus strand (C>A on the coding strand, the complement: COL12A1 is on the minus strand). VCF-style: chr6-75105217-G-T. GRCh37 (hg19) VCF-style: chr6-75814933-G-T.
Other names: c.4762C>A, p.Pro1588Thr (NM_080645.3); short protein forms P1588T, P2752T.
Identifiers: ClinVar variation 1020541 (VCV001020541.11), dbSNP rs1768489455, ClinGen allele CA364740353.

ClinVar aggregate classification (germline): Uncertain significance. Review status: criteria provided, multiple submitters, no conflicts (2 of 4 stars). 2 submissions from 2 submitters: Uncertain significance (2). Last evaluated 2025-12-11.

Conditions:
Ullrich congenital muscular dystrophy 2 (UCMD2). Identifiers: Orphanet 75840, MedGen C4225314, MONDO:0014654, OMIM 616470.
Bethlem myopathy 2 (BTHLM2). Identifiers: Orphanet 536516, Orphanet 610, MedGen C4225313, MONDO:0034022, OMIM 616471.

Allele frequency attached by ClinVar (database versions not stated): gnomAD exomes 0.00001; TOPMed 0.00001.
gnomAD v4.1: 11 of 1,613,066 alleles (0.00068%); highest among the groups gnomAD compares: Middle Eastern, 0.017%; no homozygotes.

Submissions (2):

Labcorp Genetics (formerly Invitae), Labcorp
Classification: Uncertain significance for Bethlem myopathy 2; Ullrich congenital muscular dystrophy 2. Last evaluated: 2025-12-11. Review status: criteria provided, single submitter. Criteria: Invitae Variant Classification Sherloc (09022015). Collection method: clinical testing. Allele origin: germline.
Comment: This sequence change replaces proline, which is neutral and non-polar, with threonine, which is neutral and polar, at codon 2752 of the COL12A1 protein (p.Pro2752Thr). This variant is not present in population databases (gnomAD no frequency). This variant has not been reported in the literature in individuals affected with COL12A1-related conditions. ClinVar contains an entry for this variant (Variation ID: 1020541). Invitae Evidence Modeling of protein sequence and biophysical properties (such as structural, functional, and spatial information, amino acid conservation, physicochemical variation, residue mobility, and thermodynamic stability) indicates that this missense variant is not expected to disrupt COL12A1 protein function with a negative predictive value of 80%. In summary, the available evidence is currently insufficient to determine the role of this variant in disease. Therefore, it has been classified as a Variant of Uncertain Significance.

Revvity Omics, Revvity
Classification: Uncertain significance. Last evaluated: 2023-03-14. Review status: criteria provided, single submitter. Criteria: ACMG Guidelines, 2015. Collection method: clinical testing. Allele origin: germline.